The following is an entry in ClinVar:

NM_001242896.3(DEPDC5):c.4197C>T (p.Phe1399=)

Gene: DEPDC5 (DEP domain containing 5, GATOR1 subcomplex subunit; plus strand). Cytogenetic location: 22q12.3.
Variant type: single nucleotide variant.
Coding change: c.4197C>T on transcript NM_001242896.3 (MANE Select); coding-DNA position 4197, C replaced by T.
Protein change: p.Phe1399=; no amino-acid change (phenylalanine 1399 retained).
Molecular consequence: synonymous variant. On other transcripts: non-coding transcript variant (5).
Genome position (GRCh38, 1-based): chr22:31,893,745, C>T. VCF-style: chr22-31893745-C-T. GRCh37 (hg19) VCF-style: chr22-32289731-C-T.
Other names: c.4170C>T, p.Phe1390= (NM_001136029.4); c.3897C>T, p.Phe1299= (NM_001242897.2); c.4131C>T, p.Phe1377= (NM_001363852.2, NM_001364320.2); c.3963C>T, p.Phe1321= (NM_001363854.2, NM_001364319.2); c.4197C>T, p.Phe1399= (NM_001364318.2); c.4113C>T, p.Phe1371= (NM_001369901.1, NM_001369902.1); c.4104C>T, p.Phe1368= (NM_001369903.1, NM_014662.6).
Identifiers: ClinVar variation 2141845 (VCV002141845.21), dbSNP rs913663381, ClinGen allele CA323349565.

ClinVar aggregate classification (germline): Likely benign. Review status: criteria provided, multiple submitters, no conflicts (2 of 4 stars). 2 submissions from 2 submitters: Likely benign (2). Last evaluated 2025-05-01.

Conditions:
Familial focal epilepsy with variable foci (FPEVF). Identifiers: Orphanet 98820, MedGen C1858477, MONDO:0020310.

Allele frequency attached by ClinVar (database versions not stated): TOPMed below 0.00001; gnomAD 0.00002.
gnomAD v4.1: 19 of 1,601,474 alleles (0.0012%); highest among the groups gnomAD compares: Admixed American, 0.0035%; no homozygotes.

Submissions (2):

Labcorp Genetics (formerly Invitae), Labcorp
Classification: Likely benign for Familial focal epilepsy with variable foci. Last evaluated: 2025-05-01. Review status: criteria provided, single submitter. Criteria: Invitae Variant Classification Sherloc (09022015). Collection method: clinical testing. Allele origin: germline.

CeGaT Center for Human Genetics Tuebingen
Classification: Likely benign. Last evaluated: 2024-07-01. Review status: criteria provided, single submitter. Criteria: CeGaT Center For Human Genetics Tuebingen Variant Classification Criteria Version 2. Collection method: clinical testing. Allele origin: germline. Affected: yes. Observed: 1 variant allele.
Comment: DEPDC5: BP4, BP7